The following is an entry in ClinVar:

ClinVar aggregate classification (germline): Pathogenic (1 of 4 stars; one submission).

Conditions:
Developmental and epileptic encephalopathy, 9 (DEE9). Also called: Early infantile epileptic encephalopathy 9; PCDH19-Related X-Linked Female-Limited Epilepsy with Mental Retardation; EPILEPSY, FEMALE-RESTRICTED, WITH MENTAL RETARDATION; JUBERG-HELLMAN SYNDROME. Identifiers: Orphanet 101039, Orphanet 2076, MedGen C1848137, MONDO:0010246, OMIM 300088. Disease mechanism: loss of function.

Submission:

Labcorp Genetics (formerly Invitae), Labcorp
Classification: Pathogenic for Developmental and epileptic encephalopathy, 9. Last evaluated: 2024-07-14. Review status: criteria provided, single submitter. Criteria: Invitae Variant Classification Sherloc (09022015). Collection method: clinical testing. Allele origin: germline.
Comment: This sequence change creates a premature translational stop signal (p.Arg602Glufs*6) in the PCDH19 gene. It is expected to result in an absent or disrupted protein product. Loss-of-function variants in PCDH19 are known to be pathogenic (PMID: 21053371). This variant is not present in population databases (gnomAD no frequency). This variant has not been reported in the literature in individuals affected with PCDH19-related conditions. For these reasons, this variant has been classified as Pathogenic.

Literature cited by the submitters: PubMed 21053371.

NM_001184880.2(PCDH19):c.1804del (p.Arg602fs)

Gene: PCDH19 (protocadherin 19; minus strand). Cytogenetic location: Xq22.1.
Variant type: Deletion.
Coding change: c.1804del on transcript NM_001184880.2 (MANE Select); coding-DNA position 1804, one base deleted (C; older notation c.1804delC).
Protein change: p.Arg602fs; shifts the reading frame from arginine 602.
Molecular consequence: frameshift variant.
Genome position (GRCh38, 1-based): chrX:100,406,794, G deleted on the plus strand (C on the coding strand, the reverse complement: PCDH19 is on the minus strand); the first of 2 consecutive G bases (chrX:100,406,794-100,406,795); deleting either gives the same sequence. VCF-style (leftmost placement, unchanged base first): chrX-100406793-CG-C. GRCh37 (hg19) VCF-style: chrX-99661791-CG-C.
Other names: c.1804del, p.Arg602fs (NM_020766.3, NM_001105243.2); short protein forms R602fs.
Identifiers: ClinVar variation 3659483 (VCV003659483.2).